The following is an entry in ClinVar:

NM_000424.4(KRT5):c.1427G>A (p.Gly476Asp)

Genes: KRT5 (keratin 5; minus strand), LOC126861525 (BRD4-independent group 4 enhancer GRCh37_chr12:52909857-52911056; plus strand). Cytogenetic location: 12q13.13.
Variant type: single nucleotide variant.
Coding change: c.1427G>A on transcript NM_000424.4 (MANE Select); coding-DNA position 1427, G replaced by A.
Protein change: p.Gly476Asp; replaces glycine 476 with aspartic acid.
Molecular consequence: missense variant.
Genome position (GRCh38, 1-based): chr12:52,516,649, C>T on the plus strand (G>A on the coding strand, the complement: KRT5 is on the minus strand). VCF-style: chr12-52516649-C-T. GRCh37 (hg19) VCF-style: chr12-52910433-C-T.
Other names: short protein forms G476D.
Identifiers: ClinVar variation 66215 (VCV000066215.17), dbSNP rs56922686, ClinGen allele CA216671.

ClinVar aggregate classification (germline): Pathogenic/Likely pathogenic. Review status: criteria provided, multiple submitters, no conflicts (2 of 4 stars). 8 submissions from 8 submitters: Pathogenic (5); Likely pathogenic (2). 1 of the submissions does not count toward it. Last evaluated 2026-04-22.

Conditions:
KRT5-related disorder. Also called: KRT5-related condition.
Epidermolysis bullosa simplex 2B, generalized intermediate (EBS2B). Also called: Epidermolysis bullosa simplex 2B, Koebner type. Identifiers: MedGen C5562009, MONDO:0030525, OMIM 619588.
Epidermolysis bullosa simplex 1A, generalized severe (EBS1A). Also called: Epidermolysis bullosa simplex Dowling-Meara type. Identifiers: Orphanet 79396, MedGen C0079295, MONDO:0007550, OMIM 131760.

Submissions (8):

PreventionGenetics, part of Exact Sciences
Classification: Pathogenic for KRT5-related condition. Last evaluated: 2026-04-22. Review status: criteria provided, single submitter. Criteria: ACMG Guidelines, 2015. Collection method: clinical testing. Allele origin: germline.
Comment: The KRT5 c.1427G>A variant is predicted to result in the amino acid substitution p.Gly476Asp. This variant has been reported in individuals with autosomal dominant epidermolysis bullosa simplex Weber-Cockayne type (Patient 16 in Table S1, Abu Sa'd et al. 2006. PubMed ID: 16439963; Kowalewski et al. 2007. PubMed ID: 17549391; Bolling et al. 2011. PubMed ID: 21375516); and, segregated with disease in the affected members of a large family (Kowalewski et al. 2007. PubMed ID: 17549391). This variant has not been reported in a large population database (gnomAD), indicating this variant is rare. Taken together, we interpret this variant as pathogenic.

3billion
Classification: Likely pathogenic for KRT5-related disorder. Last evaluated: 2025-11-03. Review status: criteria provided, single submitter. Criteria: ACMG Guidelines, 2015. Collection method: clinical testing. Allele origin: germline. Affected: yes.
Comment: The variant is not observed in the gnomAD v4.1.0 dataset. Predicted Consequence/Location: Missense variant In silico tool predictions suggest damaging effect of the variant on gene or gene product [REVEL: 0.96 (>=0.6, sensitivity 0.68 and specificity 0.92); 3Cnet: 0.76 (> 0.75, sensitivity 0.96 and precision 0.92)]. The same nucleotide change resulting in the same amino acid change has been previously reported as pathogenic/likely pathogenic with strong evidence (ClinVar ID: VCV000066215 /PMID: 16439963). Therefore, this variant is classified as Likely pathogenic according to the recommendation of ACMG/AMP guideline.

Blueprint Genetics
Classification: Likely pathogenic for KRT5-related disorders. Last evaluated: 2024-10-18. Review status: criteria provided, single submitter. Criteria: ACMG Guidelines, 2015. Collection method: clinical testing. Allele origin: germline. Affected: yes. Observed: 2 variant alleles.

GeneDx
Classification: Pathogenic. Last evaluated: 2023-02-06. Review status: criteria provided, single submitter. Criteria: GeneDx Variant Classification Process June 2021. Collection method: clinical testing. Allele origin: germline. Affected: yes.
Comment: Located within the 2B helix-termination motif, a critical functional domain that is intolerant of change and conserved across species (Chamcheu et al., 2011); Not observed at significant frequency in large population cohorts (gnomAD); In silico analysis supports that this missense variant has a deleterious effect on protein structure/function; This variant is associated with the following publications: (PMID: 21176769, 25017986, 16439963, 17549391, 21375516, 26432462, 31312705, 26167768)

Labcorp Genetics (formerly Invitae), Labcorp
Classification: Pathogenic. Last evaluated: 2022-11-03. Review status: criteria provided, single submitter. Criteria: Invitae Variant Classification Sherloc (09022015). Collection method: clinical testing. Allele origin: germline.
Comment: For these reasons, this variant has been classified as Pathogenic. Advanced modeling of protein sequence and biophysical properties (such as structural, functional, and spatial information, amino acid conservation, physicochemical variation, residue mobility, and thermodynamic stability) performed at Invitae indicates that this missense variant is expected to disrupt KRT5 protein function. ClinVar contains an entry for this variant (Variation ID: 66215). This missense change has been observed in individual(s) with autosomal dominant epidermolysis bullosa simplex (PMID: 16439963, 17549391, 21375516). This variant is not present in population databases (gnomAD no frequency). This sequence change replaces glycine, which is neutral and non-polar, with aspartic acid, which is acidic and polar, at codon 476 of the KRT5 protein (p.Gly476Asp).

Mendelics
Classification: Pathogenic for Epidermolysis bullosa simplex 1A, generalized severe. Last evaluated: 2022-05-04. Review status: criteria provided, single submitter. Criteria: Mendelics Assertion Criteria 2019. Collection method: clinical testing. Allele origin: germline.

Victorian Clinical Genetics Services, Murdoch Childrens Research Institute
Classification: Pathogenic for Epidermolysis bullosa simplex 2B, generalized intermediate. Last evaluated: 2022-02-02. Review status: criteria provided, single submitter. Criteria: ACMG Guidelines, 2015. Collection method: clinical testing. Allele origin: germline. Inheritance: Autosomal dominant inheritance. Affected: yes.
Comment: Based on the classification scheme VCGS_Germline_v1.3.4, this variant is classified as Pathogenic. Following criteria are met: 0103 - Loss of function and dominant negative are known mechanisms of disease in this gene and are associated with KRT5-related conditions (DECIPHER, GeneReviews, PMIDs: 25017986, 17549391). (I) 0108 - This gene is associated with both recessive and dominant disease. Conditions associated with this gene are mainly autosomal dominant but rare cases of autosomal recessive disease have been reported (PMIDs: 17549391, 23746086). (I) 0115 - Variants in this gene are known to have variable expressivity. Phenotypic variability has been reported within families with KRT5-related conditions (GeneReviews). (I) 0200 - Variant is predicted to result in a missense amino acid change from glycine to aspartic acid. (I) 0251 - This variant is heterozygous. (I) 0301 - Variant is absent from gnomAD (both v2 and v3). (SP) 0309 - An alternative amino acid change at the same position has been observed in gnomAD (v2) (1 heterozygote, 0 homozygotes). (I) 0501 - Missense variant consistently predicted to be damaging by multiple in silico tools or highly conserved with a major amino acid change. (SP) 0602 - Variant is located in a hotspot region or cluster of pathogenic variants in the 2B helical coiled coil segment at the end of the central rod domain (DECIPHER, PMID: 17549391, 10354017). (SP) 0705 - No comparable missense variants have previous evidence for pathogenicity. (I) 0802 - This variant has moderate previous evidence of pathogenicity in unrelated individuals. This variant has been observed in three unrelated individuals with KRT5-related conditions. (SP) 1007 - No published functional evidence has been identified for this variant. (I) 1102 - Strong phenotype match for this individual. (SP) 1208 - Inheritance information for this variant is not currently available in this individual. (I) Legend: (SP) - Supporting pathogenic, (I) - Information, (SB) - Supporting benign

Epithelial Biology;  Institute of Medical Biology, Singapore
No classification provided. Review status: no classification provided. Collection method: not provided. Allele origin: not provided. Not counted in ClinVar's aggregate classification.

Literature cited by the submitters: PubMed 16439963 (cited by 3 submitters); PubMed 17549391 (cited by Labcorp Genetics (formerly Invitae), Labcorp and Victorian Clinical Genetics Services, Murdoch Childrens Research Institute); PubMed 21375516 (cited by Labcorp Genetics (formerly Invitae), Labcorp); PubMed 10354017 (cited by Victorian Clinical Genetics Services, Murdoch Childrens Research Institute); PubMed 20301543 (cited by Victorian Clinical Genetics Services, Murdoch Childrens Research Institute); PubMed 23746086 (cited by Victorian Clinical Genetics Services, Murdoch Childrens Research Institute); PubMed 25017986 (cited by Victorian Clinical Genetics Services, Murdoch Childrens Research Institute).